The following is an entry in ClinVar:

ClinVar aggregate classification (germline): Uncertain significance (1 of 4 stars; one submission).

Conditions:
Exostoses, multiple, type 2 (EXT2). Also called: Hereditary Multiple Osteochondromatosis, Type II; EXOSTOSES, MULTIPLE, TYPE II. Identifiers: Orphanet 321, MedGen C1851413, MONDO:0007586, OMIM 133701.

Allele frequency attached by ClinVar (database versions not stated): TOPMed below 0.00001.

Submission:

Labcorp Genetics (formerly Invitae), Labcorp
Classification: Uncertain significance for Exostoses, multiple, type 2. Last evaluated: 2023-05-09. Review status: criteria provided, single submitter. Criteria: Invitae Variant Classification Sherloc (09022015). Collection method: clinical testing. Allele origin: germline.
Comment: This variant has not been reported in the literature in individuals affected with EXT2-related conditions. In summary, the available evidence is currently insufficient to determine the role of this variant in disease. Therefore, it has been classified as a Variant of Uncertain Significance. Advanced modeling of protein sequence and biophysical properties (such as structural, functional, and spatial information, amino acid conservation, physicochemical variation, residue mobility, and thermodynamic stability) performed at Invitae indicates that this missense variant is not expected to disrupt EXT2 protein function. ClinVar contains an entry for this variant (Variation ID: 1056526). This variant is not present in population databases (gnomAD no frequency). This sequence change replaces glutamine, which is neutral and polar, with arginine, which is basic and polar, at codon 384 of the EXT2 protein (p.Gln384Arg).

NM_207122.2(EXT2):c.1151A>G (p.Gln384Arg)

Gene: EXT2 (exostosin glycosyltransferase 2; plus strand). Cytogenetic location: 11p11.2.
Variant type: single nucleotide variant.
Coding change: c.1151A>G on transcript NM_207122.2 (MANE Select); coding-DNA position 1151, A replaced by G.
Protein change: p.Gln384Arg; replaces glutamine 384 with arginine.
Molecular consequence: missense variant.
Genome position (GRCh38, 1-based): chr11:44,130,116, A>G. VCF-style: chr11-44130116-A-G. GRCh37 (hg19) VCF-style: chr11-44151666-A-G.
Other names: c.1250A>G, p.Gln417Arg (NM_000401.3); c.1151A>G, p.Gln384Arg (NM_001178083.3); short protein forms Q384R, Q417R.
Identifiers: ClinVar variation 1056526 (VCV001056526.9), dbSNP rs1590575253, ClinGen allele CA380170428.
Genomic context (GRCh38, chr11:44,130,116, plus strand): 5'-TTGTACCAGAAGAAAAGATGTCAGATGTGTACAGTATTTTGCAGAGCATCCCCCAAAGAC[A>G]GATTGAAGAAATGCAGAGACAGGTAAGAGGCCAAGTCTTGGGGAGGTGACATGGGTGGTA-3'
Protein context (NP_997005.1, residues 374-394): YSILQSIPQR[Gln384Arg]IEEMQRQARW